The following is an entry in ClinVar:

ClinVar aggregate classification (germline): Uncertain significance (1 of 4 stars; one submission).

Conditions:
DiGeorge syndrome. Also called: Catch22; THIRD AND FOURTH PHARYNGEAL POUCH SYNDROME. Identifiers: Orphanet 567, MedGen C0012236, MONDO:0008564, OMIM 188400.

Allele frequency attached by ClinVar (database versions not stated): gnomAD exomes below 0.00001; TOPMed below 0.00001.
gnomAD v4.1: 2 of 1,542,676 alleles (0.00013%); highest among the groups gnomAD compares: Non-Finnish European, 0.00017%; no homozygotes.

Submission:

Labcorp Genetics (formerly Invitae), Labcorp
Classification: Uncertain significance for DiGeorge syndrome. Last evaluated: 2024-11-22. Review status: criteria provided, single submitter. Criteria: Invitae Variant Classification Sherloc (09022015). Collection method: clinical testing. Allele origin: germline.
Comment: This sequence change replaces proline, which is neutral and non-polar, with leucine, which is neutral and non-polar, at codon 452 of the TBX1 protein (p.Pro452Leu). This variant is not present in population databases (gnomAD no frequency). This variant has not been reported in the literature in individuals affected with TBX1-related conditions. ClinVar contains an entry for this variant (Variation ID: 1060441). An algorithm developed to predict the effect of missense changes on protein structure and function (PolyPhen-2) suggests that this variant is likely to be disruptive. In summary, the available evidence is currently insufficient to determine the role of this variant in disease. Therefore, it has been classified as a Variant of Uncertain Significance.

NM_001379200.1(TBX1):c.1382C>T (p.Pro461Leu)

Gene: TBX1 (T-box transcription factor 1; plus strand). Cytogenetic location: 22q11.21.
Variant type: single nucleotide variant.
Coding change: c.1382C>T on transcript NM_001379200.1 (MANE Select); coding-DNA position 1382, C replaced by T.
Protein change: p.Pro461Leu; replaces proline 461 with leucine.
Molecular consequence: missense variant. On other transcripts: intron variant (2).
Genome position (GRCh38, 1-based): chr22:19,766,734, C>T. VCF-style: chr22-19766734-C-T. GRCh37 (hg19) VCF-style: chr22-19754257-C-T.
Other names: c.1355C>T, p.Pro452Leu (NM_080647.1); c.1009+732C>T (NM_005992.1, NM_080646.2); short protein forms P452L, P461L.
Identifiers: ClinVar variation 1060441 (VCV001060441.9), dbSNP rs1936867566, ClinGen allele CA410685226.
Genomic context (GRCh38, chr22:19,766,734, plus strand): 5'-GGCCGGCGCCCTACCCGCTGCCCGGCCTGCGTGGCCACGGCTACCACCCGCACGCGCATC[C>T]GCACCACCACCACCACCCCGTGAGTCCAGCCGCCGCGGCCGCCGCCGCCGCTGCCGCAGC-3'
Protein context (NP_001366129.1, residues 451-471): RGHGYHPHAH[Pro461Leu]HHHHHPVSPA